The following is an entry in ClinVar:

NM_001354768.3(NRL):c.262T>C (p.Leu88=)

Gene: NRL (neural retina leucine zipper; minus strand). Cytogenetic location: 14q11.2.
Variant type: single nucleotide variant.
Coding change: c.262T>C on transcript NM_001354768.3 (MANE Select); coding-DNA position 262, T replaced by C.
Protein change: p.Leu88=; no amino-acid change (leucine 88 retained).
Molecular consequence: synonymous variant. On other transcripts: intron variant (1).
Genome position (GRCh38, 1-based): chr14:24,082,587, A>G on the plus strand (T>C on the coding strand, the complement: NRL is on the minus strand). VCF-style: chr14-24082587-A-G. GRCh37 (hg19) VCF-style: chr14-24551796-A-G.
Other names: c.262T>C, p.Leu88= (NM_001354769.1, NM_006177.5); c.66+196T>C (NM_001354770.2); c.262T>C (NM_006177.3).
Identifiers: ClinVar variation 1903792 (VCV001903792.6), dbSNP rs139218410, ClinGen allele CA7122900.

ClinVar aggregate classification (germline): Likely benign. Review status: criteria provided, multiple submitters, no conflicts (2 of 4 stars). 2 submissions from 2 submitters: Likely benign (2). Last evaluated 2026-09-01.

Conditions:
NRL-related disorder. Also called: NRL-related condition.

Allele frequency attached by ClinVar (database versions not stated): gnomAD 0.00002; TOPMed 0.00003; ExAC 0.00004; ESP Exome Variant Server 0.00008; 1000 Genomes Project 0.00020; 1000 Genomes Project 30x 0.00031.
gnomAD v4.1: 13 of 1,613,714 alleles (0.00081%); highest among the groups gnomAD compares: African/African-American, 0.0093%; no homozygotes.

Submissions (2):

PreventionGenetics, part of Exact Sciences
Classification: Likely benign for NRL-related condition. Last evaluated: 2026-09-01. Review status: criteria provided, single submitter. Criteria: ACMG Guidelines, 2015. Collection method: clinical testing. Allele origin: germline.
Comment: This variant is classified as likely benign based on ACMG/AMP sequence variant interpretation guidelines (Richards et al. 2015 PMID: 25741868, with internal and published modifications).

Labcorp Genetics (formerly Invitae), Labcorp
Classification: Likely benign. Last evaluated: 2025-03-05. Review status: criteria provided, single submitter. Criteria: Invitae Variant Classification Sherloc (09022015). Collection method: clinical testing. Allele origin: germline.